The following is an entry in ClinVar:

ClinVar aggregate classification (germline): Likely benign (1 of 4 stars; one submission).

Allele frequency attached by ClinVar (database versions not stated): ExAC 0.00002; gnomAD 0.00002; TOPMed 0.00005; gnomAD exomes 0.00006; 1000 Genomes Project 0.00020; 1000 Genomes Project 30x 0.00031.

Submission:

CeGaT Center for Human Genetics Tuebingen
Classification: Likely benign. Last evaluated: 2022-07-01. Review status: criteria provided, single submitter. Criteria: CeGaT Center For Human Genetics Tuebingen Variant Classification Criteria Version 2. Collection method: clinical testing. Allele origin: germline. Affected: yes. Observed: 1 variant allele.
Comment: ZNF142: BP4, BP7

NM_001379659.1(ZNF142):c.1590C>T (p.Ala530=)

Gene: ZNF142 (zinc finger protein 142; minus strand). Cytogenetic location: 2q35.
Variant type: single nucleotide variant.
Coding change: c.1590C>T on transcript NM_001379659.1 (MANE Select); coding-DNA position 1590, C replaced by T.
Protein change: p.Ala530=; no amino-acid change (alanine 530 retained).
Molecular consequence: synonymous variant.
Genome position (GRCh38, 1-based): chr2:218,648,918, G>A on the plus strand (C>T on the coding strand, the complement: ZNF142 is on the minus strand). VCF-style: chr2-218648918-G-A. GRCh37 (hg19) VCF-style: chr2-219513641-G-A.
Other names: c.990C>T, p.Ala330= (NM_001105537.5, NM_001366291.3, NM_001379662.1); c.501C>T, p.Ala167= (NM_001366287.3, NM_001366288.3, NM_001366289.3); c.1590C>T, p.Ala530= (NM_001366290.3, NM_001379660.1, NM_001379661.1).
Identifiers: ClinVar variation 2651894 (VCV002651894.24), dbSNP rs530394250, ClinGen allele CA2109347.